The following is an entry in ClinVar:

NM_014845.6(FIG4):c.2568G>A (p.Ser856=)

Gene: FIG4 (FIG4 phosphoinositide 5-phosphatase; plus strand). Cytogenetic location: 6q21.
Variant type: single nucleotide variant.
Coding change: c.2568G>A on transcript NM_014845.6 (MANE Select); coding-DNA position 2568, G replaced by A.
Protein change: p.Ser856=; no amino-acid change (serine 856 retained).
Molecular consequence: synonymous variant.
Genome position (GRCh38, 1-based): chr6:109,825,109, G>A. VCF-style: chr6-109825109-G-A. GRCh37 (hg19) VCF-style: chr6-110146312-G-A.
Identifiers: ClinVar variation 698013 (VCV000698013.15), dbSNP rs140055056, ClinGen allele CA3956458.

ClinVar aggregate classification (germline): Likely benign. Review status: criteria provided, multiple submitters, no conflicts (2 of 4 stars). 4 submissions from 4 submitters: Likely benign (4). Last evaluated 2026-07-30.

Conditions:
Inborn genetic diseases. Identifiers: MedGen C0950123, MeSH D030342.
Charcot-Marie-Tooth disease type 4. Also called: Charcot-Marie-Tooth disease, type IV; Charcot-Marie-Tooth, Type 4. Identifiers: Orphanet 64749, MedGen C4082197, MONDO:0018995.
FIG4-related disorder. Also called: FIG4-related disorders; FIG4-related condition.

Allele frequency attached by ClinVar (database versions not stated): TOPMed 0.00003; 1000 Genomes Project 0.00040; 1000 Genomes Project 30x 0.00047.
gnomAD v4.1: 93 of 1,613,768 alleles (0.0058%); highest among the groups gnomAD compares: Admixed American, 0.035%; 1 homozygote.

Submissions (4):

PreventionGenetics, part of Exact Sciences
Classification: Likely benign for FIG4-related condition. Last evaluated: 2026-07-30. Review status: criteria provided, single submitter. Criteria: ACMG Guidelines, 2015. Collection method: clinical testing. Allele origin: germline.
Comment: This variant is classified as likely benign based on ACMG/AMP sequence variant interpretation guidelines (Richards et al. 2015 PMID: 25741868, with internal and published modifications).

Labcorp Genetics (formerly Invitae), Labcorp
Classification: Likely benign for Charcot-Marie-Tooth disease type 4. Last evaluated: 2025-12-29. Review status: criteria provided, single submitter. Criteria: Invitae Variant Classification Sherloc (09022015). Collection method: clinical testing. Allele origin: germline.

Ambry Genetics
Classification: Likely benign for Inborn genetic diseases. Last evaluated: 2020-03-26. Review status: criteria provided, single submitter. Criteria: Ambry Variant Classification Scheme 2023. Collection method: clinical testing. Allele origin: germline.

Athena Diagnostics
Classification: Likely benign. Last evaluated: 2018-12-04. Review status: criteria provided, single submitter. Criteria: Athena Diagnostics Criteria. Collection method: clinical testing. Allele origin: germline.